The following is an entry in ClinVar:

NM_003151.4(STAT4):c.643A>C (p.Lys215Gln)

Gene: STAT4 (signal transducer and activator of transcription 4; minus strand). Cytogenetic location: 2q32.2.
Variant type: single nucleotide variant.
Coding change: c.643A>C on transcript NM_003151.4 (MANE Select); coding-DNA position 643, A replaced by C.
Protein change: p.Lys215Gln; replaces lysine 215 with glutamine.
Molecular consequence: missense variant.
Genome position (GRCh38, 1-based): chr2:191,064,946, T>G on the plus strand (A>C on the coding strand, the complement: STAT4 is on the minus strand). VCF-style: chr2-191064946-T-G. GRCh37 (hg19) VCF-style: chr2-191929672-T-G.
Other names: c.643A>C, p.Lys215Gln (NM_001243835.2); short protein forms K215Q.
Identifiers: ClinVar variation 1345076 (VCV001345076.8), dbSNP rs2125237701, ClinGen allele CA349917475.
Genomic context (GRCh38, chr2:191,064,946, plus strand): 5'-GCTCTTCTATGAGCATGGTGTTCATTAACAGGTCTGTCTCATGGATGATTTGGGTCATTT[T>G]ACTGAGAGCCTCCTAAAAACAAAGGGGACTACTGAAGAGAGTTTCATAAGAAATAAGTCA-3'
Protein context (NP_003142.1, residues 205-225): LDFKRKEALS[Lys215Gln]MTQIIHETDL

ClinVar aggregate classification (germline): Uncertain significance (1 of 4 stars; one submission).

Submission:

Labcorp Genetics (formerly Invitae), Labcorp
Classification: Uncertain significance. Last evaluated: 2022-07-11. Review status: criteria provided, single submitter. Criteria: Invitae Variant Classification Sherloc (09022015). Collection method: clinical testing. Allele origin: germline.
Comment: In summary, the available evidence is currently insufficient to determine the role of this variant in disease. Therefore, it has been classified as a Variant of Uncertain Significance. Algorithms developed to predict the effect of missense changes on protein structure and function (SIFT, PolyPhen-2, Align-GVGD) all suggest that this variant is likely to be tolerated. ClinVar contains an entry for this variant (Variation ID: 1345076). This variant has not been reported in the literature in individuals affected with STAT4-related conditions. This variant is not present in population databases (gnomAD no frequency). This sequence change replaces lysine, which is basic and polar, with glutamine, which is neutral and polar, at codon 215 of the STAT4 protein (p.Lys215Gln).